The following is an entry in ClinVar:

ClinVar aggregate classification (germline): Benign. Review status: criteria provided, multiple submitters, no conflicts (2 of 4 stars). 3 submissions from 2 submitters: Benign (3). Last evaluated 2021-07-10.

Conditions:
Sialic acid storage disease, severe infantile type (ISSD). Also called: INFANTILE SIALIC ACID STORAGE DISORDER; Free sialic acid storage disease, infantile form; N-ACETYLNEURAMINIC ACID STORAGE DISEASE; NANA STORAGE DISEASE; SIALURIA, INFANTILE FORM; Infantile Sialic Acid Storage Disease. Identifiers: Orphanet 309324, Orphanet 834, MedGen C1096902, MONDO:0010027, OMIM 269920.
Salla disease (SD). Also called: Sialuria, Finnish type; N-acetylneuraminic acid (NANA) storage disease (NSD); Infantile sialic acid storage disorder (ISSD); Less Severe FSASD (Salla Disease). Identifiers: Orphanet 309334, Orphanet 834, MedGen C1096903, MONDO:0011449, OMIM 604369.

Allele frequency attached by ClinVar (database versions not stated): gnomAD exomes 0.08790; gnomAD 0.16243 and 0.16611; TOPMed 0.17888; 1000 Genomes Project 0.19649; 1000 Genomes Project 30x 0.20534.
gnomAD v4.1: 107,122 of 1,077,290 alleles (9.9%); highest among the groups gnomAD compares: African/African-American, 34%; 8,084 homozygotes.

Submissions (3):

Genome-Nilou Lab
Classification: Benign for Salla disease. Last evaluated: 2021-07-10. Review status: criteria provided, single submitter. Criteria: ACMG Guidelines, 2015. Collection method: clinical testing. Allele origin: germline. Affected: no.

Genome-Nilou Lab
Classification: Benign for Sialic acid storage disease, severe infantile type. Last evaluated: 2021-07-10. Review status: criteria provided, single submitter. Criteria: ACMG Guidelines, 2015. Collection method: clinical testing. Allele origin: germline. Affected: no.

GeneDx
Classification: Benign. Last evaluated: 2018-06-19. Review status: criteria provided, single submitter. Criteria: GeneDx Variant Classification (06012015). Collection method: clinical testing. Allele origin: germline. Affected: yes.
Comment: This variant is considered likely benign or benign based on one or more of the following criteria: it is a conservative change, it occurs at a poorly conserved position in the protein, it is predicted to be benign by multiple in silico algorithms, and/or has population frequency not consistent with disease.

NM_012434.5(SLC17A5):c.978+88C>T

Gene: SLC17A5 (solute carrier family 17 member 5; minus strand). Cytogenetic location: 6q13.
Variant type: single nucleotide variant.
Coding change: c.978+88C>T on transcript NM_012434.5 (MANE Select); 88 bases into the intron after coding-DNA position 978, C replaced by T.
Molecular consequence: intron variant.
Genome position (GRCh38, 1-based): chr6:73,621,716, G>A on the plus strand (C>T on the coding strand, the complement: SLC17A5 is on the minus strand). VCF-style: chr6-73621716-G-A. GRCh37 (hg19) VCF-style: chr6-74331439-G-A.
Identifiers: ClinVar variation 672088 (VCV000672088.4), dbSNP rs474661, ClinGen allele CA140962963.